The following is an entry in ClinVar:

NM_001003787.4(STRADA):c.1085G>A (p.Arg362His)

Gene: STRADA (STE20 related adaptor alpha; minus strand). Cytogenetic location: 17q23.3.
Variant type: single nucleotide variant.
Coding change: c.1085G>A on transcript NM_001003787.4 (MANE Select); coding-DNA position 1085, G replaced by A.
Protein change: p.Arg362His; replaces arginine 362 with histidine.
Molecular consequence: missense variant. On other transcripts: non-coding transcript variant (1), intron variant (6).
Genome position (GRCh38, 1-based): chr17:63,704,356, C>T on the plus strand (G>A on the coding strand, the complement: STRADA is on the minus strand). VCF-style: chr17-63704356-C-T. GRCh37 (hg19) VCF-style: chr17-61781716-C-T.
Other names: c.974G>A, p.Arg325His (NM_001003786.3, NM_153335.6); c.911G>A, p.Arg304His (NM_001003788.3); c.1061G>A, p.Arg354His (NM_001363786.1); c.998G>A, p.Arg333His (NM_001363787.1); c.898+76G>A (NM_001363789.1); c.835+76G>A (NM_001363790.1, NM_001363791.1); c.922+76G>A (NM_001165969.2); c.877+76G>A (NM_001165970.2); and 1 more; short protein forms R354H, R304H, R325H, R333H, R362H.
Identifiers: ClinVar variation 970563 (VCV000970563.7), dbSNP rs760725435, ClinGen allele CA8703145.
Genomic context (GRCh38, chr17:63,704,356, plus strand): 5'-CACCCTCTGCTCTCCCGAAGCCCAGGCCCAGGCCAGCAGGGATACCTGGCATCCGGGTTG[C>T]GCTGAAGGCACTGCTCCACAAAGTGGTGGAAGTGGGGGGAGAAGGTTCGGTGGTAGGGGT-3'
Protein context (NP_001003787.1, residues 352-372): FHHFVEQCLQ[Arg362His]NPDARPSAST

ClinVar aggregate classification (germline): Uncertain significance (1 of 4 stars; one submission).

Conditions:
Polyhydramnios, megalencephaly, and symptomatic epilepsy (PMSE). Also called: PMSE SYNDROME. Identifiers: Orphanet 500533, MedGen C1970203, MONDO:0012611, OMIM 611087.

Allele frequency attached by ClinVar (database versions not stated): gnomAD exomes below 0.00001 and 0.00001; ExAC 0.00001; TOPMed 0.00001.
gnomAD v4.1: 7 of 1,612,180 alleles (0.00043%); highest among the groups gnomAD compares: Middle Eastern, 0.017%; no homozygotes.

Submission:

Labcorp Genetics (formerly Invitae), Labcorp
Classification: Uncertain significance for Polyhydramnios, megalencephaly, and symptomatic epilepsy. Last evaluated: 2022-03-04. Review status: criteria provided, single submitter. Criteria: Invitae Variant Classification Sherloc (09022015). Collection method: clinical testing. Allele origin: germline.
Comment: This sequence change replaces arginine, which is basic and polar, with histidine, which is basic and polar, at codon 362 of the STRADA protein (p.Arg362His). The frequency data for this variant in the population databases is considered unreliable, as metrics indicate poor data quality at this position in the gnomAD database. This variant has not been reported in the literature in individuals affected with STRADA-related conditions. ClinVar contains an entry for this variant (Variation ID: 970563). Algorithms developed to predict the effect of missense changes on protein structure and function are either unavailable or do not agree on the potential impact of this missense change (SIFT: "Tolerated"; PolyPhen-2: "Probably Damaging"; Align-GVGD: "Class C0"). In summary, the available evidence is currently insufficient to determine the role of this variant in disease. Therefore, it has been classified as a Variant of Uncertain Significance.